The following is an entry in ClinVar:

NM_015189.3(EXOC6B):c.1914T>C (p.Ala638=)

Gene: EXOC6B (exocyst complex component 6B; minus strand). Cytogenetic location: 2p13.2.
Variant type: single nucleotide variant.
Coding change: c.1914T>C on transcript NM_015189.3 (MANE Select); coding-DNA position 1914, T replaced by C.
Protein change: p.Ala638=; no amino-acid change (alanine 638 retained).
Molecular consequence: synonymous variant. On other transcripts: non-coding transcript variant (1).
Genome position (GRCh38, 1-based): chr2:72,465,226, A>G on the plus strand (T>C on the coding strand, the complement: EXOC6B is on the minus strand). VCF-style: chr2-72465226-A-G. GRCh37 (hg19) VCF-style: chr2-72692355-A-G.
Other names: c.1914T>C, p.Ala638= (NM_001321729.2, NM_001321731.2); c.1779T>C, p.Ala593= (NM_001321730.2, NM_001321733.2); c.1575T>C, p.Ala525= (NM_001321734.2); c.1914T>C (NM_015189.2).
Identifiers: ClinVar variation 2078128 (VCV002078128.6), dbSNP rs373128726, ClinGen allele CA1708336.
Genomic context (GRCh38, chr2:72,465,226, plus strand): 5'-GTGTGTGAATACAGCAAAGGTGCTACGAAGAAAGGCAATGAGGTCTACCAGGTAATCACT[A>G]GCTTTGTTGCCCAAATCTCCGGTCATCCAGTCATAGTCTGCCAGCTGTAGGAACTGGTCA-3'
Protein context (NP_056004.1, residues 628-648): DWMTGDLGNK[Ala638=]SDYLVDLIAF

ClinVar aggregate classification (germline): Likely benign. Review status: criteria provided, single submitter (1 of 4 stars). 2 submissions from 2 submitters: Likely benign (1). 1 of the submissions does not count toward it. Last evaluated 2023-08-18.

Conditions:
EXOC6B-related disorder. Also called: EXOC6B-related condition.

Allele frequency attached by ClinVar (database versions not stated): gnomAD 0.00005; TOPMed 0.00005; gnomAD exomes 0.00009; ExAC 0.00004; ESP Exome Variant Server 0.00008.
gnomAD v4.1: 138 of 1,611,716 alleles (0.0086%); highest among the groups gnomAD compares: Non-Finnish European, 0.011%; no homozygotes.

Submissions (2):

Labcorp Genetics (formerly Invitae), Labcorp
Classification: Likely benign. Last evaluated: 2023-08-18. Review status: criteria provided, single submitter. Criteria: Invitae Variant Classification Sherloc (09022015). Collection method: clinical testing. Allele origin: germline.

PreventionGenetics, part of Exact Sciences
Classification: Likely benign for EXOC6B-related condition. Last evaluated: 2019-08-09. Review status: no assertion criteria provided. Collection method: clinical testing. Allele origin: germline. Not counted in ClinVar's aggregate classification.
Comment: This variant is classified as likely benign based on ACMG/AMP sequence variant interpretation guidelines (Richards et al. 2015 PMID: 25741868, with internal and published modifications).